The following is an entry in ClinVar:

ClinVar aggregate classification (germline): Benign/Likely benign. Review status: criteria provided, multiple submitters, no conflicts (2 of 4 stars). 4 submissions from 4 submitters: Benign (1); Likely benign (2). 1 of the submissions does not count toward it. Last evaluated 2025-01-01.

Conditions:
ZNF292-related disorder. Also called: ZNF292-related condition.

Allele frequency attached by ClinVar (database versions not stated): 1000 Genomes Project 0.00020; 1000 Genomes Project 30x 0.00047; TOPMed 0.00079; ESP Exome Variant Server 0.00107; gnomAD exomes 0.00163 and 0.00176; gnomAD 0.00170 and 0.00178; ExAC 0.00173.
gnomAD v4.1: 2,609 of 1,613,680 alleles (0.16%); highest among the groups gnomAD compares: Non-Finnish European, 0.16%; 9 homozygotes.

Submissions (4):

CeGaT Center for Human Genetics Tuebingen
Classification: Likely benign. Last evaluated: 2025-01-01. Review status: criteria provided, single submitter. Criteria: CeGaT Center For Human Genetics Tuebingen Variant Classification Criteria Version 2. Collection method: clinical testing. Allele origin: germline. Affected: yes. Observed: 2 variant alleles.
Comment: ZNF292: BP4, BS1

Blueprint Genetics
Classification: Likely benign. Last evaluated: 2024-10-30. Review status: criteria provided, single submitter. Criteria: ACMG Guidelines, 2015. Collection method: clinical testing. Allele origin: germline.

Labcorp Genetics (formerly Invitae), Labcorp
Classification: Benign. Last evaluated: 2017-09-15. Review status: criteria provided, single submitter. Criteria: Invitae Variant Classification Sherloc (09022015). Collection method: clinical testing. Allele origin: germline.

PreventionGenetics, part of Exact Sciences
Classification: Benign for ZNF292-related condition. Last evaluated: 2024-04-29. Review status: no assertion criteria provided. Collection method: clinical testing. Allele origin: germline. Not counted in ClinVar's aggregate classification.
Comment: This variant is classified as benign based on ACMG/AMP sequence variant interpretation guidelines (Richards et al. 2015 PMID: 25741868, with internal and published modifications).

NM_015021.3(ZNF292):c.4724T>C (p.Leu1575Ser)

Gene: ZNF292 (zinc finger protein 292; plus strand). Cytogenetic location: 6q14.3.
Variant type: single nucleotide variant.
Coding change: c.4724T>C on transcript NM_015021.3 (MANE Select); coding-DNA position 4724, T replaced by C.
Protein change: p.Leu1575Ser; replaces leucine 1575 with serine.
Molecular consequence: missense variant.
Genome position (GRCh38, 1-based): chr6:87,258,353, T>C. VCF-style: chr6-87258353-T-C. GRCh37 (hg19) VCF-style: chr6-87968071-T-C.
Other names: c.4304T>C, p.Leu1435Ser (NM_001351444.2); short protein forms L1435S, L1575S.
Identifiers: ClinVar variation 711035 (VCV000711035.28), dbSNP rs11753862, ClinGen allele CA3914356.